The following is an entry in ClinVar:

ClinVar aggregate classification (germline): Pathogenic/Likely pathogenic. Review status: criteria provided, multiple submitters, no conflicts (2 of 4 stars). 5 submissions from 5 submitters: Pathogenic (4); Likely pathogenic (1). Last evaluated 2025-10-06.

Conditions:
Purine-nucleoside phosphorylase deficiency. Also called: Immunodeficiency due to purine nucleoside phosphorylase deficiency; NUCLEOSIDE PHOSPHORYLASE DEFICIENCY. Identifiers: Orphanet 760, MedGen C0268125, MONDO:0013171, OMIM 613179.
Severe combined immunodeficiency disease. Also called: Severe combined immunodeficiency; Severe Combined Immune Deficiency. Identifiers: Orphanet 183660, MedGen C0085110, MeSH D016511, MONDO:0015974, HP:0004430. Inheritance: X-Linked or Autosomal recessive.

Submissions (6):

Labcorp Genetics (formerly Invitae), Labcorp
Classification: Pathogenic for Purine-nucleoside phosphorylase deficiency. Last evaluated: 2025-10-06. Review status: criteria provided, single submitter. Criteria: Invitae Variant Classification Sherloc (09022015). Collection method: clinical testing. Allele origin: germline.
Comment: This sequence change falls in intron 3 of the PNP gene. It does not directly change the encoded amino acid sequence of the PNP protein. This variant is present in population databases (no rsID available, gnomAD 0.006%). This variant has been observed in individual(s) with purine nucleoside phosphorylase deficiency (PMID: 9067751, 24767876; internal data). In at least one individual the data is consistent with being in trans (on the opposite chromosome) from a pathogenic variant. ClinVar contains an entry for this variant (Variation ID: 505116). Algorithms developed to predict the effect of sequence changes on RNA splicing suggest that this variant may disrupt the consensus splice site. For these reasons, this variant has been classified as Pathogenic.

Women's Health and Genetics/Laboratory Corporation of America, LabCorp
Classification: Pathogenic for Severe combined immunodeficiency disease. Last evaluated: 2023-11-16. Review status: criteria provided, single submitter. Criteria: LabCorp Variant Classification Summary - May 2015. Collection method: clinical testing. Allele origin: germline.
Comment: Variant summary: PNP c.286-18G>A alters a non-conserved nucleotide located at a position not widely known to affect splicing. However, several computational tools predict a significant impact on normal splicing: Three predict the variant weakens a canonical 3' splicing acceptor site, and four predict the variant creates a cryptic 3' acceptor site 16 bp upstream of the canonical site. At least one publication reports experimental evidence that this variant affects mRNA splicing, resulting in a 16 bp insertion expected to result in a frameshift (Markert_1997). The variant allele was found at a frequency of 3.6e-05 in 248566 control chromosomes (gnomAD). c.286-18G>A has been reported in the literature in multiple individuals affected with Combined Immunodeficiency (Markert_1997, Somech_2013, la Marca_2014, Vignesh_2021), and one patient was compound heterozygous with another pathogenic variant. A homozygous case showed no detectible PNP activity, while their heterozygous parents showed roughly half of normal activity (Somech_2013). These data indicate that the variant is very likely to be associated with disease. The following publications have been ascertained in the context of this evaluation (PMID: 9067751, 24767876, 23371835, 33628209). Four submitters have cited clinical-significance assessments for this variant to ClinVar after 2014. All submitters classified the variant as pathogenic/likely pathogenic. Based on the evidence outlined above, the variant was classified as pathogenic.

Baylor Genetics
Classification: Pathogenic for Purine-nucleoside phosphorylase deficiency. Last evaluated: 2022-12-13. Review status: criteria provided, single submitter. Criteria: ACMG Guidelines, 2015. Collection method: clinical testing. Allele origin: unknown.

Fulgent Genetics
Classification: Pathogenic for Purine-nucleoside phosphorylase deficiency. Last evaluated: 2018-10-31. Review status: criteria provided, single submitter. Criteria: ACMG Guidelines, 2015. Collection method: clinical testing. Allele origin: unknown.

Laboratory for Molecular Medicine, Mass General Brigham Personalized Medicine
Classification: Likely pathogenic for Purine-nucleoside phosphorylase deficiency. Last evaluated: 2016-07-07. Review status: criteria provided, single submitter. Criteria: LMM Criteria. Collection method: clinical testing. Allele origin: germline. Inheritance: Autosomal recessive inheritance. Observed: 1 variant allele.
Comment: The c.286-18G>A variant in PNP has been reported in 2 patients with purine nucle oside phosphorylase deficiency (in the homozygous and compound heterozygous stat e) (la Marca 2014, Markert 1997) and was demonstrated to cause altered splicing leading to a frameshift in patient cells (Markert 1997). This variant was also i dentified in 3/104,620 of chromosomes by the Exome Aggregation Consortium (ExAC). Although this variant has been seen in the gen eral population, its frequency is low enough to be consistent with a recessive c arrier frequency. In summary, although additional studies are needed to clarify its significance, this variant is likely pathogenic.

Dr. Peter K. Rogan Lab, Western University
No classification provided (evidence only). Condition: Acute myeloid leukemia. Review status: no classification provided. Collection method: in vitro. Allele origin: not applicable. Functional consequence: retained intron. Not counted in ClinVar's aggregate classification.

Literature cited by the submitters: PubMed 9067751 (cited by 3 submitters); PubMed 24767876 (cited by 3 submitters); PubMed 33628209 (cited by Women's Health and Genetics/Laboratory Corporation of America, LabCorp); PubMed 23371835 (cited by Women's Health and Genetics/Laboratory Corporation of America, LabCorp).

NM_000270.4(PNP):c.286-18G>A

Gene: PNP (purine nucleoside phosphorylase; plus strand). Cytogenetic location: 14q11.2.
Variant type: single nucleotide variant.
Coding change: c.286-18G>A on transcript NM_000270.4 (MANE Select); 18 bases into the intron before coding-DNA position 286, G replaced by A.
Molecular consequence: intron variant.
Genome position (GRCh38, 1-based): chr14:20,474,755, G>A. VCF-style: chr14-20474755-G-A. GRCh37 (hg19) VCF-style: chr14-20942914-G-A.
Identifiers: ClinVar variation 505116 (VCV000505116.16), dbSNP rs1026474882, ClinGen allele CA7082090.